The following is an entry in ClinVar:

ClinVar aggregate classification (germline): Uncertain significance (1 of 4 stars; one submission).

Submission:

Women's Health and Genetics/Laboratory Corporation of America, LabCorp
Classification: Uncertain significance. Last evaluated: 2026-01-20. Review status: criteria provided, single submitter. Criteria: LabCorp Variant Classification Summary - May 2015. Collection method: clinical testing. Allele origin: germline.
Comment: Variant summary: The variant involves the duplication of exons 2-48 in the PKHD1 gene. A presumed nomenclature of c.(-85+1_-84-1)_(7733+1_7734-1)dup has been designated for the purposes of this classification. It is assumed to be a tandem duplication in direct orientation (PMIDs: 25640679, 30054569). This Copy Number Variant (CNV) is predicted to result in an in-frame duplication within this gene. The variant was absent in 21578 control chromosomes. The available data on variant occurrences in the general population are insufficient to allow any conclusion about variant significance. A smaller in-frame duplication of exons 44-46 was observed in a compound heterozygous individual affected with AR Polycystic Kidney Disease (e.g. Burgmaier_2021). These data do not allow any conclusion about variant significance. To our knowledge, no experimental evidence demonstrating an impact on protein function has been reported. The following publication has been ascertained in the context of this evaluation (PMID: 33940108). No submitters have cited clinical-significance assessments for this variant to ClinVar. Based on the evidence outlined above, the variant was classified as uncertain significance.

Literature cited by the submitters: PubMed 33940108.

NC_000006.11:g.(51720869_51732660)_(51949816_51952231)dup

Gene: PKHD1 (PKHD1 ciliary IPT domain containing fibrocystin/polyductin; minus strand). Cytogenetic location: 6p12.3-12.2.
Variant type: Duplication.
Identifiers: ClinVar variation 4689208 (VCV004689208.1).